The following is an entry in ClinVar:

ClinVar aggregate classification (germline): Uncertain significance (1 of 4 stars; one submission).

Conditions:
Neurofibromatosis, type 1 (NF1). Also called: VON RECKLINGHAUSEN DISEASE; Neurofibromatosis, type I; Peripheral type neurofibromatosis; NEUROFIBROMATOSIS, TYPE I, SOMATIC. Identifiers: Orphanet 636, MedGen C0027831, MONDO:0018975, OMIM 162200. Disease mechanism: loss of function.

Submission:

Labcorp Genetics (formerly Invitae), Labcorp
Classification: Uncertain significance for Neurofibromatosis, type 1. Last evaluated: 2023-04-22. Review status: criteria provided, single submitter. Criteria: Invitae Variant Classification Sherloc (09022015). Collection method: clinical testing. Allele origin: germline.
Comment: This variant is not present in population databases (gnomAD no frequency). This sequence change replaces leucine, which is neutral and non-polar, with valine, which is neutral and non-polar, at codon 1187 of the NF1 protein (p.Leu1187Val). In summary, the available evidence is currently insufficient to determine the role of this variant in disease. Therefore, it has been classified as a Variant of Uncertain Significance. This variant disrupts the p.Leu1187 amino acid residue in NF1. Other variant(s) that disrupt this residue have been determined to be pathogenic (Invitae). This suggests that this residue is clinically significant, and that variants that disrupt this residue are likely to be disease-causing. Advanced modeling of protein sequence and biophysical properties (such as structural, functional, and spatial information, amino acid conservation, physicochemical variation, residue mobility, and thermodynamic stability) performed at Invitae indicates that this missense variant is expected to disrupt NF1 protein function. This variant has not been reported in the literature in individuals affected with NF1-related conditions.

NM_001042492.3(NF1):c.3559C>G (p.Leu1187Val)

Gene: NF1 (neurofibromin 1; plus strand). Cytogenetic location: 17q11.2.
Variant type: single nucleotide variant.
Coding change: c.3559C>G on transcript NM_001042492.3 (MANE Select); coding-DNA position 3559, C replaced by G.
Protein change: p.Leu1187Val; replaces leucine 1187 with valine.
Molecular consequence: missense variant.
Genome position (GRCh38, 1-based): chr17:31,233,064, C>G. VCF-style: chr17-31233064-C-G. GRCh37 (hg19) VCF-style: chr17-29560082-C-G.
Other names: c.3559C>G, p.Leu1187Val (NM_000267.4); short protein forms L1187V.
Identifiers: ClinVar variation 2858164 (VCV002858164.3), dbSNP rs2067142260, ClinGen allele CA398990037.